The following is an entry in ClinVar:

NM_006904.7(PRKDC):c.3821G>T (p.Arg1274Ile)

Gene: PRKDC (protein kinase, DNA-activated, catalytic subunit; minus strand). Cytogenetic location: 8q11.21.
Variant type: single nucleotide variant.
Coding change: c.3821G>T on transcript NM_006904.7 (MANE Select); coding-DNA position 3821, G replaced by T.
Protein change: p.Arg1274Ile; replaces arginine 1274 with isoleucine.
Molecular consequence: missense variant.
Genome position (GRCh38, 1-based): chr8:47,893,165, C>A on the plus strand (G>T on the coding strand, the complement: PRKDC is on the minus strand). VCF-style: chr8-47893165-C-A. GRCh37 (hg19) VCF-style: chr8-48805726-C-A.
Other names: c.3821G>T, p.Arg1274Ile (NM_001081640.2); short protein forms R1274I.
Identifiers: ClinVar variation 656649 (VCV000656649.8), dbSNP rs755695539, ClinGen allele CA4741081.
Genomic context (GRCh38, chr8:47,893,165, plus strand): 5'-CGACACACACCAGAATAAGGCAAGGGTGACCTACCTAGGACCTGGAGCGCTCCTACAGTT[C>A]TCTCGCCAATGAACGTGTTGTAGCACTCCAACGCGGCCAGGAGCAGGTCCAGCCAGCATA-3'
Protein context (NP_008835.5, residues 1264-1284): LECYNTFIGE[Arg1274Ile]TVGALQVLGT

ClinVar aggregate classification (germline): Uncertain significance (1 of 4 stars; one submission).

Conditions:
Severe combined immunodeficiency due to DNA-PKcs deficiency. Also called: IMMUNODEFICIENCY 26 WITH NEUROLOGIC ABNORMALITIES; Immunodeficiency 26 with or without neurologic abnormalities. Identifiers: Orphanet 317425, MedGen C4014833, MONDO:0014423, OMIM 615966.

Allele frequency attached by ClinVar (database versions not stated): ExAC 0.00001; gnomAD exomes 0.00002.
gnomAD v4.1: 6 of 1,611,982 alleles (0.00037%); highest among the groups gnomAD compares: Admixed American, 0.01%; no homozygotes.

Submission:

Labcorp Genetics (formerly Invitae), Labcorp
Classification: Uncertain significance for Severe combined immunodeficiency due to DNA-PKcs deficiency. Last evaluated: 2022-07-19. Review status: criteria provided, single submitter. Criteria: Invitae Variant Classification Sherloc (09022015). Collection method: clinical testing. Allele origin: germline.
Comment: In summary, the available evidence is currently insufficient to determine the role of this variant in disease. Therefore, it has been classified as a Variant of Uncertain Significance. ClinVar contains an entry for this variant (Variation ID: 656649). This variant has not been reported in the literature in individuals affected with PRKDC-related conditions. This variant is present in population databases (rs755695539, gnomAD 0.02%). This sequence change replaces arginine, which is basic and polar, with isoleucine, which is neutral and non-polar, at codon 1274 of the PRKDC protein (p.Arg1274Ile).